The following is an entry in ClinVar:

NM_001369.3(DNAH5):c.7597delinsCCT (p.Val2533fs)

Gene: DNAH5 (dynein axonemal heavy chain 5; minus strand). Cytogenetic location: 5p15.2.
Variant type: Indel.
Coding change: c.7597delinsCCT on transcript NM_001369.3 (MANE Select); coding-DNA position 7597, G replaced by CCT.
Protein change: p.Val2533fs; shifts the reading frame from valine 2533.
Molecular consequence: frameshift variant.
Genome position (GRCh38, 1-based): chr5:13,810,071, C replaced by AGG on the plus strand (G replaced by CCT on the coding strand, the reverse complement: DNAH5 is on the minus strand). VCF-style: chr5-13810071-C-AGG. GRCh37 (hg19) VCF-style: chr5-13810180-C-AGG.
Other names: short protein forms V2533fs.
Identifiers: ClinVar variation 5010988 (VCV005010988.1).

ClinVar aggregate classification (germline): Pathogenic (1 of 4 stars; one submission).

Conditions:
Primary ciliary dyskinesia 3. Identifiers: Orphanet 244, MedGen C1837618, MONDO:0012085, OMIM 608644.

Submission:

Myriad Genetics, Inc.
Classification: Pathogenic for Primary ciliary dyskinesia 3. Last evaluated: 2024-05-14. Review status: criteria provided, single submitter. Criteria: Myriad Autosomal Dominant, Autosomal Recessive and X-Linked Classification Criteria (2023). Collection method: clinical testing. Allele origin: unknown.
Comment: NM_001369.2(DNAH5):c.7597delGinsCCT(V2533Pfs*39) is expected to be pathogenic in the context of primary ciliary dyskinesia, DNAH5-related. This variant is predicted to lead to an abnormal or absent protein product due to the creation of a premature termination codon in DNAH5, a gene where loss-of-function variants are known to be pathogenic. Please note: this variant was assessed in the context of healthy population screening.